The following is an entry in ClinVar:

NM_006258.4(PRKG1):c.936-295C>A

Gene: PRKG1 (protein kinase cGMP-dependent 1; plus strand). Cytogenetic location: 10q21.1.
Variant type: single nucleotide variant.
Coding change: c.936-295C>A on transcript NM_006258.4 (MANE Select); 295 bases into the intron before coding-DNA position 936, C replaced by A.
Molecular consequence: intron variant.
Genome position (GRCh38, 1-based): chr10:52,133,545, C>A. VCF-style: chr10-52133545-C-A. GRCh37 (hg19) VCF-style: chr10-53893305-C-A.
Other names: c.891-295C>A (NM_001098512.3).
Identifiers: ClinVar variation 683740 (VCV000683740.1), dbSNP rs77138124, ClinGen allele CA207384991.

ClinVar aggregate classification (germline): Benign (1 of 4 stars; one submission).

Allele frequency attached by ClinVar (database versions not stated): 1000 Genomes Project 0.07608; 1000 Genomes Project 30x 0.07761; TOPMed 0.11796; gnomAD 0.11849 and 0.12074.
gnomAD v4.1: 18,002 of 152,116 alleles (12%); highest among the groups gnomAD compares: Non-Finnish European, 16%; 1,297 homozygotes.

Submission:

GeneDx
Classification: Benign. Last evaluated: 2018-06-19. Review status: criteria provided, single submitter. Criteria: GeneDx Variant Classification (06012015). Collection method: clinical testing. Allele origin: germline. Affected: yes.
Comment: This variant is considered likely benign or benign based on one or more of the following criteria: it is a conservative change, it occurs at a poorly conserved position in the protein, it is predicted to be benign by multiple in silico algorithms, and/or has population frequency not consistent with disease.